The following is an entry in ClinVar:

NM_001297.5(CNGB1):c.2651_2658del (p.Gly884fs)

Gene: CNGB1 (cyclic nucleotide gated channel subunit beta 1; minus strand). Cytogenetic location: 16q21.
Variant type: Deletion.
Coding change: c.2651_2658del on transcript NM_001297.5 (MANE Select); coding-DNA positions 2651 to 2658, 8 bases deleted (GGGCCGCC; older notation c.2651_2658delGGGCCGCC).
Protein change: p.Gly884fs; shifts the reading frame from glycine 884.
Molecular consequence: frameshift variant.
Genome position (GRCh38, 1-based): chr16:57,903,958-57,903,965, GGCGGCCC deleted on the plus strand (GGGCCGCC on the coding strand, the reverse complement: CNGB1 is on the minus strand). VCF-style (leftmost placement, unchanged base first): chr16-57903957-TGGCGGCCC-T. GRCh37 (hg19) VCF-style: chr16-57937861-TGGCGGCCC-T.
Other names: c.2633_2640del, p.Gly878fs (NM_001286130.2); short protein forms G878fs, G884fs.
Identifiers: ClinVar variation 1073917 (VCV001073917.7), dbSNP rs2149358561, ClinGen allele CA2499223619.

ClinVar aggregate classification (germline): Pathogenic (1 of 4 stars; one submission).

Submission:

Labcorp Genetics (formerly Invitae), Labcorp
Classification: Pathogenic. Last evaluated: 2022-06-03. Review status: criteria provided, single submitter. Criteria: Invitae Variant Classification Sherloc (09022015). Collection method: clinical testing. Allele origin: germline.
Comment: For these reasons, this variant has been classified as Pathogenic. This sequence change creates a premature translational stop signal (p.Gly884Aspfs*47) in the CNGB1 gene. It is expected to result in an absent or disrupted protein product. Loss-of-function variants in CNGB1 are known to be pathogenic (PMID: 15557452, 24043777). This variant is not present in population databases (gnomAD no frequency). This variant has not been reported in the literature in individuals affected with CNGB1-related conditions. ClinVar contains an entry for this variant (Variation ID: 1073917).

Literature cited by the submitters: PubMed 15557452; PubMed 24043777.